The following is an entry in ClinVar:

ClinVar aggregate classification (germline): Pathogenic/Likely pathogenic. Review status: criteria provided, multiple submitters, no conflicts (2 of 4 stars). 2 submissions from 2 submitters: Pathogenic (1); Likely pathogenic (1). Last evaluated 2024-05-17.

Conditions:
Bardet-Biedl syndrome (BBS). Identifiers: Orphanet 110, MedGen C0752166, MONDO:0015229.
Bardet-Biedl syndrome 12 (BBS12). Identifiers: Orphanet 110, MedGen C1859570, MONDO:0014440, OMIM 615989.

Submissions (2):

Fulgent Genetics
Classification: Likely pathogenic for Bardet-Biedl syndrome 12. Last evaluated: 2024-05-17. Review status: criteria provided, single submitter. Criteria: ACMG Guidelines, 2015. Collection method: clinical testing. Allele origin: germline.

Labcorp Genetics (formerly Invitae), Labcorp
Classification: Pathogenic for Bardet-Biedl syndrome. Last evaluated: 2022-03-16. Review status: criteria provided, single submitter. Criteria: Invitae Variant Classification Sherloc (09022015). Collection method: clinical testing. Allele origin: germline.
Comment: For these reasons, this variant has been classified as Pathogenic. This variant disrupts a region of the BBS12 protein in which other variant(s) (p.Asp687Valfs*3) have been determined to be pathogenic (Invitae). This suggests that this is a clinically significant region of the protein, and that variants that disrupt it are likely to be disease-causing. This variant has not been reported in the literature in individuals affected with BBS12-related conditions. This variant is present in population databases (no rsID available, gnomAD 0.003%). This sequence change creates a premature translational stop signal (p.Tyr197*) in the BBS12 gene. While this is not anticipated to result in nonsense mediated decay, it is expected to disrupt the last 514 amino acid(s) of the BBS12 protein.

NM_152618.3(BBS12):c.590_591del (p.Ser196_Tyr197insTer)

Gene: BBS12 (Bardet-Biedl syndrome 12; plus strand). Cytogenetic location: 4q27.
Variant type: Microsatellite.
Coding change: c.590_591del on transcript NM_152618.3 (MANE Select); coding-DNA positions 590 to 591, 2 bases deleted (AT; older notation c.590_591delAT).
Protein change: p.Ser196_Tyr197insTer.
Molecular consequence: nonsense.
Genome position (GRCh38, 1-based): chr4:122,742,482-122,742,483, AT deleted; deleting any 2 consecutive bases within chr4:122,742,480-122,742,483 gives the same sequence; the c. name uses the placement nearest the transcript's 3' end. VCF-style (leftmost placement, unchanged base first): chr4-122742479-CAT-C. GRCh37 (hg19) VCF-style: chr4-123663634-CAT-C.
Other names: c.590_591del, p.Ser196_Tyr197insTer (NM_001178007.2).
Identifiers: ClinVar variation 1070029 (VCV001070029.6), dbSNP rs1560706958, ClinGen allele CA554526996.
Genomic context (GRCh38, chr4:122,742,479, plus strand): 5'-TCAAAGATGTTGCCTCTCAAACACTGACCATTTCCAACCTTTCTGGGAGACCTCTTAAAT[CAT>C]ATGAATTATTTAAACCTCAGACAAAGGTTGAAGCAGATAACAACACATCACGAACTCTGA-3'